The following is an entry in ClinVar:

ClinVar aggregate classification (germline): Uncertain significance (1 of 4 stars; one submission).

Conditions:
KBG syndrome (KBGS). Also called: ANKRD11-Related KBG Syndrome. Identifiers: Orphanet 2332, MedGen C0220687, MONDO:0007846, OMIM 148050.

Allele frequency attached by ClinVar (database versions not stated): gnomAD exomes below 0.00001; TOPMed 0.00001.
gnomAD v4.1: 1 of 1,581,272 alleles (0.000063%); highest among the groups gnomAD compares: South Asian, 0.0012%; no homozygotes.

Submission:

Baylor Genetics
Classification: Uncertain significance for KBG syndrome. Last evaluated: 2020-07-16. Review status: criteria provided, single submitter. Criteria: ACMG Guidelines, 2015. Collection method: clinical testing. Allele origin: unknown. Affected: yes.
Comment: This variant was determined to be of uncertain significance according to ACMG Guidelines, 2015 [PMID:25741868].

NM_013275.6(ANKRD11):c.5543C>T (p.Pro1848Leu)

Gene: ANKRD11 (ankyrin repeat domain 11; minus strand). Cytogenetic location: 16q24.3.
Variant type: single nucleotide variant.
Coding change: c.5543C>T on transcript NM_013275.6 (MANE Select); coding-DNA position 5543, C replaced by T.
Protein change: p.Pro1848Leu; replaces proline 1848 with leucine.
Molecular consequence: missense variant.
Genome position (GRCh38, 1-based): chr16:89,280,999, G>A on the plus strand (C>T on the coding strand, the complement: ANKRD11 is on the minus strand). VCF-style: chr16-89280999-G-A. GRCh37 (hg19) VCF-style: chr16-89347407-G-A.
Other names: c.5543C>T, p.Pro1848Leu (NM_001256182.2, NM_001256183.2); short protein forms P1848L.
Identifiers: ClinVar variation 1029217 (VCV001029217.1), dbSNP rs1208038234, ClinGen allele CA397153769.